The following is an entry in ClinVar:

ClinVar aggregate classification (germline): Uncertain significance. Review status: criteria provided, multiple submitters, no conflicts (2 of 4 stars). 2 submissions from 2 submitters: Uncertain significance (2). Last evaluated 2023-10-03.

Conditions:
Inborn genetic diseases. Identifiers: MedGen C0950123, MeSH D030342.

Allele frequency attached by ClinVar (database versions not stated): gnomAD exomes below 0.00001.
gnomAD v4.1: 1 of 1,612,098 alleles (0.000062%); highest among the groups gnomAD compares: Admixed American, 0.0017%; no homozygotes.

Submissions (2):

Labcorp Genetics (formerly Invitae), Labcorp
Classification: Uncertain significance. Last evaluated: 2023-10-03. Review status: criteria provided, single submitter. Criteria: Invitae Variant Classification Sherloc (09022015). Collection method: clinical testing. Allele origin: germline.
Comment: This sequence change replaces glutamine, which is neutral and polar, with glutamic acid, which is acidic and polar, at codon 220 of the RGS9 protein (p.Gln220Glu). This variant is not present in population databases (gnomAD no frequency). This variant has not been reported in the literature in individuals affected with RGS9-related conditions. ClinVar contains an entry for this variant (Variation ID: 1024238). Advanced modeling of protein sequence and biophysical properties (such as structural, functional, and spatial information, amino acid conservation, physicochemical variation, residue mobility, and thermodynamic stability) performed at Invitae indicates that this missense variant is not expected to disrupt RGS9 protein function. In summary, the available evidence is currently insufficient to determine the role of this variant in disease. Therefore, it has been classified as a Variant of Uncertain Significance.

Ambry Genetics
Classification: Uncertain significance for Inborn genetic diseases. Last evaluated: 2022-05-18. Review status: criteria provided, single submitter. Criteria: Ambry Variant Classification Scheme 2023. Collection method: clinical testing. Allele origin: germline.

NM_003835.4(RGS9):c.658C>G (p.Gln220Glu)

Gene: RGS9 (regulator of G protein signaling 9; plus strand). Cytogenetic location: 17q24.1.
Variant type: single nucleotide variant.
Coding change: c.658C>G on transcript NM_003835.4 (MANE Select); coding-DNA position 658, C replaced by G.
Protein change: p.Gln220Glu; replaces glutamine 220 with glutamic acid.
Molecular consequence: missense variant.
Genome position (GRCh38, 1-based): chr17:65,189,289, C>G. VCF-style: chr17-65189289-C-G. GRCh37 (hg19) VCF-style: chr17-63185407-C-G.
Other names: c.658C>G (NM_003835.3); c.649C>G, p.Gln217Glu (NM_001081955.3, NM_001165933.2); short protein forms Q217E, Q220E.
Identifiers: ClinVar variation 1024238 (VCV001024238.9), dbSNP rs1912262322, ClinGen allele CA400663903.